The following is an entry in ClinVar:

NC_000016.9:g.(?_5133663)_(5134882_?)del

Genes: ALG1 (ALG1 chitobiosyldiphosphodolichol beta-mannosyltransferase; plus strand), EEF2KMT (eukaryotic elongation factor 2 lysine methyltransferase; minus strand). Cytogenetic location: 16p13.3.
Variant type: Deletion.
Identifiers: ClinVar variation 3243498 (VCV003243498.1).

ClinVar aggregate classification (germline): Pathogenic (1 of 4 stars; one submission).

Conditions:
ALG1-congenital disorder of glycosylation. Also called: CONGENITAL DISORDER OF GLYCOSYLATION, TYPE Ik; CDG Ik; ALG1-CDG. Identifiers: Orphanet 79327, MedGen C2931005, MONDO:0012052, OMIM 608540.

Submission:

Labcorp Genetics (formerly Invitae), Labcorp
Classification: Pathogenic for ALG1-congenital disorder of glycosylation. Last evaluated: 2023-09-12. Review status: criteria provided, single submitter. Criteria: Invitae Variant Classification Sherloc (09022015). Collection method: clinical testing. Allele origin: unknown.
Comment: This variant is a gross deletion of the genomic region encompassing exon(s) 12-13 of the ALG1 gene, which includes the termination codon. This deletion extends beyond the assayed region for this gene and therefore may encompass additional genes. While this deletion is not anticipated to lead to nonsense mediated decay, it is expected to alter mRNA translation or result in a truncated protein product. This variant has not been reported in the literature in individuals affected with ALG1-related conditions. This variant disrupts a region of the ALG1 protein in which other variant(s) (p.Arg438Trp) have been determined to be pathogenic (PMID: 20679665, 24157261, 26931382). This suggests that this is a clinically significant region of the protein, and that variants that disrupt it are likely to be disease-causing. For these reasons, this variant has been classified as Pathogenic.

Literature cited by the submitters: PubMed 20679665; PubMed 24157261; PubMed 26931382.